The following is an entry in ClinVar:

ClinVar aggregate classification (germline): Uncertain significance. Review status: criteria provided, multiple submitters, no conflicts (2 of 4 stars). 2 submissions from 2 submitters: Uncertain significance (2). Last evaluated 2025-10-29.

gnomAD v4.1: 1 of 1,611,624 alleles (0.000062%); highest among the groups gnomAD compares: East Asian, 0.0022%; no homozygotes.

Submissions (2):

Labcorp Genetics (formerly Invitae), Labcorp
Classification: Uncertain significance. Last evaluated: 2025-10-29. Review status: criteria provided, single submitter. Criteria: Invitae Variant Classification Sherloc (09022015). Collection method: clinical testing. Allele origin: germline.
Comment: This sequence change replaces leucine, which is neutral and non-polar, with valine, which is neutral and non-polar, at codon 80 of the SRP72 protein (p.Leu80Val). This variant is not present in population databases (gnomAD no frequency). This variant has not been reported in the literature in individuals affected with SRP72-related conditions. ClinVar contains an entry for this variant (Variation ID: 4174928). Invitae Evidence Modeling of protein sequence and biophysical properties (such as structural, functional, and spatial information, amino acid conservation, physicochemical variation, residue mobility, and thermodynamic stability) indicates that this missense variant is not expected to disrupt SRP72 protein function with a negative predictive value of 80%. In summary, the available evidence is currently insufficient to determine the role of this variant in disease. Therefore, it has been classified as a Variant of Uncertain Significance.

Ambry Genetics
Classification: Uncertain significance. Last evaluated: 2025-07-12. Review status: criteria provided, single submitter. Criteria: Ambry Variant Classification Scheme 2023. Collection method: clinical testing. Allele origin: germline.
Comment: The p.L80V variant (also known as c.238C>G), located in coding exon 3 of the SRP72 gene, results from a C to G substitution at nucleotide position 238. The leucine at codon 80 is replaced by valine, an amino acid with highly similar properties. This amino acid position is conserved. In addition, this alteration is predicted to be tolerated by in silico analysis. Based on the available evidence, the clinical significance of this variant remains unclear.

NM_006947.4(SRP72):c.238C>G (p.Leu80Val)

Gene: SRP72 (signal recognition particle 72; plus strand). Cytogenetic location: 4q12.
Variant type: single nucleotide variant.
Coding change: c.238C>G on transcript NM_006947.4 (MANE Select); coding-DNA position 238, C replaced by G.
Protein change: p.Leu80Val; replaces leucine 80 with valine.
Molecular consequence: missense variant. On other transcripts: non-coding transcript variant (1).
Genome position (GRCh38, 1-based): chr4:56,471,727, C>G. VCF-style: chr4-56471727-C-G. GRCh37 (hg19) VCF-style: chr4-57337893-C-G.
Other names: c.238C>G, p.Leu80Val (NM_001267722.2); short protein forms L80V.
Identifiers: ClinVar variation 4174928 (VCV004174928.2).